The following is an entry in ClinVar:

ClinVar aggregate classification (germline): Conflicting classifications of pathogenicity. Review status: criteria provided, conflicting classifications (1 of 4 stars). 2 submissions from 2 submitters: Uncertain significance (1); Likely benign (1). Last evaluated 2023-11-17.

Allele frequency attached by ClinVar (database versions not stated): ExAC 0.00001; gnomAD 0.00001; gnomAD exomes 0.00001 and 0.00002; TOPMed 0.00002.

Submissions (2):

Ambry Genetics
Classification: Likely benign. Last evaluated: 2023-11-17. Review status: criteria provided, single submitter. Criteria: Ambry Variant Classification Scheme 2023. Collection method: clinical testing. Allele origin: germline.

Labcorp Genetics (formerly Invitae), Labcorp
Classification: Uncertain significance. Last evaluated: 2022-01-13. Review status: criteria provided, single submitter. Criteria: Invitae Variant Classification Sherloc (09022015). Collection method: clinical testing. Allele origin: germline.
Comment: In summary, the available evidence is currently insufficient to determine the role of this variant in disease. Therefore, it has been classified as a Variant of Uncertain Significance. Algorithms developed to predict the effect of missense changes on protein structure and function output the following: SIFT: "Not Available"; PolyPhen-2: "Benign"; Align-GVGD: "Not Available". The glutamine amino acid residue is found in multiple mammalian species, which suggests that this missense change does not adversely affect protein function. This variant has not been reported in the literature in individuals affected with CEP250-related conditions. This variant is present in population databases (rs755779040, gnomAD 0.006%). This sequence change replaces arginine with glutamine at codon 2281 of the CEP250 protein (p.Arg2281Gln). The arginine residue is weakly conserved and there is a small physicochemical difference between arginine and glutamine.

NM_007186.6(CEP250):c.6842G>A (p.Arg2281Gln)

Gene: CEP250 (centrosomal protein 250; plus strand). Cytogenetic location: 20q11.22.
Variant type: single nucleotide variant.
Coding change: c.6842G>A on transcript NM_007186.6 (MANE Select); coding-DNA position 6842, G replaced by A.
Protein change: p.Arg2281Gln; replaces arginine 2281 with glutamine.
Molecular consequence: missense variant.
Genome position (GRCh38, 1-based): chr20:35,508,126, G>A. VCF-style: chr20-35508126-G-A. GRCh37 (hg19) VCF-style: chr20-34095955-G-A.
Other names: c.6842G>A (NM_007186.3); c.4946G>A, p.Arg1649Gln (NM_001318219.1); short protein forms R1649Q, R2281Q.
Identifiers: ClinVar variation 1394494 (VCV001394494.7), dbSNP rs755779040, ClinGen allele CA9834165.
Genomic context (GRCh38, chr20:35,508,126, plus strand): 5'-ATGGAATGGAGAAGCAGTCATGGAGACAAAGGCTTGAACACCTGCAGCAAGCAGTGGCCC[G>A]GCTGGAGATTGACAGGAGCAGGCTGCAGCGCCACAATGTCCAGCTGCGGAGTACCTTGGA-3'
Protein context (NP_009117.2, residues 2271-2291): RLEHLQQAVA[Arg2281Gln]LEIDRSRLQR